The following is an entry in ClinVar:

NM_001127217.3(SMAD9):c.782-251A>G

Gene: SMAD9 (SMAD family member 9; minus strand). Cytogenetic location: 13q13.3.
Variant type: single nucleotide variant.
Coding change: c.782-251A>G on transcript NM_001127217.3 (MANE Select); 251 bases into the intron before coding-DNA position 782, A replaced by G.
Molecular consequence: intron variant.
Genome position (GRCh38, 1-based): chr13:36,866,009, T>C on the plus strand (A>G on the coding strand, the complement: SMAD9 is on the minus strand). VCF-style: chr13-36866009-T-C. GRCh37 (hg19) VCF-style: chr13-37440146-T-C.
Other names: c.671-251A>G (NM_005905.6, NM_001378621.1).
Identifiers: ClinVar variation 683862 (VCV000683862.1), dbSNP rs1536654, ClinGen allele CA13869713.

ClinVar aggregate classification (germline): Benign (1 of 4 stars; one submission).

Allele frequency attached by ClinVar (database versions not stated): 1000 Genomes Project 0.54653; gnomAD 0.63712; TOPMed 0.62830; 1000 Genomes Project 30x 0.55091.
gnomAD v4.1: 97,251 of 151,910 alleles (64%); highest among the groups gnomAD compares: Non-Finnish European, 78%; 33,699 homozygotes.

Submission:

GeneDx
Classification: Benign. Last evaluated: 2018-06-14. Review status: criteria provided, single submitter. Criteria: GeneDx Variant Classification (06012015). Collection method: clinical testing. Allele origin: germline. Affected: yes.
Comment: This variant is considered likely benign or benign based on one or more of the following criteria: it is a conservative change, it occurs at a poorly conserved position in the protein, it is predicted to be benign by multiple in silico algorithms, and/or has population frequency not consistent with disease.